The following is an entry in ClinVar:

NM_001145809.2(MYH14):c.3634G>T (p.Glu1212Ter)

Gene: MYH14 (myosin heavy chain 14; plus strand). Cytogenetic location: 19q13.33.
Variant type: single nucleotide variant.
Coding change: c.3634G>T on transcript NM_001145809.2 (MANE Select); coding-DNA position 3634, G replaced by T.
Protein change: p.Glu1212Ter; replaces glutamic acid 1212 with a stop codon.
Molecular consequence: nonsense.
Genome position (GRCh38, 1-based): chr19:50,276,157, G>T. VCF-style: chr19-50276157-G-T. GRCh37 (hg19) VCF-style: chr19-50779414-G-T.
Other names: c.3535G>T, p.Glu1179Ter (NM_001077186.2); c.3511G>T, p.Glu1171Ter (NM_024729.4); short protein forms E1179*, E1212*, E1171*.
Identifiers: ClinVar variation 5001926 (VCV005001926.1).
Genomic context (GRCh38, chr19:50,276,157, plus strand): 5'-AGGACCAAGGCGGAGAAGCAGCGCCGGGACCTGGGCGAGGAGCTGGAGGCGCTGCGGGGC[G>T]AGCTGGAGGACACGCTGGACTCCACCAACGCACAGCAGGAGCTCCGGTGAGGCCCGGTGG-3'

ClinVar aggregate classification (germline): Likely pathogenic (1 of 4 stars; one submission).

Conditions:
MYH14-related disorder. Also called: MYH14-related condition.

Submission:

PreventionGenetics, part of Exact Sciences
Classification: Likely pathogenic for MYH14-related condition. Last evaluated: 2025-08-05. Review status: criteria provided, single submitter. Criteria: ACMG Guidelines, 2015. Collection method: clinical testing. Allele origin: germline.
Comment: The MYH14 c.3634G>T variant is predicted to result in premature protein termination (p.Glu1212*). To our knowledge, this variant has not been reported in the literature or in a large population database (gnomAD), indicating this variant is rare. Nonsense variants in MYH14 are expected to be pathogenic. This variant is interpreted as likely pathogenic.